The following is an entry in ClinVar:

NM_000219.6(KCNE1):c.241T>G (p.Tyr81Asp)

Gene: KCNE1 (potassium voltage-gated channel subfamily E regulatory subunit 1; minus strand). Cytogenetic location: 21q22.12.
Variant type: single nucleotide variant.
Coding change: c.241T>G on transcript NM_000219.6 (MANE Select); coding-DNA position 241, T replaced by G.
Protein change: p.Tyr81Asp; replaces tyrosine 81 with aspartic acid.
Molecular consequence: missense variant.
Genome position (GRCh38, 1-based): chr21:34,449,394, A>C on the plus strand (T>G on the coding strand, the complement: KCNE1 is on the minus strand). VCF-style: chr21-34449394-A-C. GRCh37 (hg19) VCF-style: chr21-35821692-A-C.
Other names: c.241T>G, p.Tyr81Asp (NM_001127668.4, NM_001127669.4, NM_001127670.4 and 4 more transcripts); short protein forms Y81D.
Identifiers: ClinVar variation 3374417 (VCV003374417.2).

Conditions:
Long QT syndrome 5 (LQT5). Identifiers: Orphanet 101016, Orphanet 768, MedGen C1867904, MONDO:0013372, OMIM 613695.

Submission:

Roden Lab, Vanderbilt University Medical Center
No classification provided (evidence only). Condition: Long QT syndrome 5. Review status: no classification provided. Collection method: in vitro. Allele origin: not applicable. Functional consequence: Effect on ion channel function.
ClinVar note: "not provided" was previously submitted as the classification for the variant. However, the classification appeared to be based only on an observation of functional data so it was converted to no classification on 2025-07-30.